The following is an entry in ClinVar:

ClinVar aggregate classification (germline): Uncertain significance (1 of 4 stars; one submission).

Conditions:
Autosomal dominant non-syndromic intellectual disability. Identifiers: Orphanet 178469, MedGen C5680502, MONDO:0015802.

gnomAD v4.1: 4 of 1,613,342 alleles (0.00025%); highest among the groups gnomAD compares: East Asian, 0.0022%; no homozygotes.

Submission:

Department of Human Genetics, University Hospital Bern, Inselspital
Classification: Uncertain significance for Autosomal dominant non-syndromic intellectual disability. Last evaluated: 2026-03-23. Review status: criteria provided, single submitter. Criteria: ACMG Guidelines, 2015. Collection method: clinical testing. Allele origin: de novo. Affected: yes.
Comment: The missense variant affects a highly conserved amino acid in the important dimerization domain and is predicted to have a moderately damaging effect by AlphaMissense and REVEL. Functional assays did not show a clear deleterious effect. In summary, criteria PS2_Supporting was used.

NM_001113407.3(LDB1):c.542G>A (p.Arg181Gln)

Gene: LDB1 (LIM domain binding 1; minus strand). Cytogenetic location: 10q24.32.
Variant type: single nucleotide variant.
Coding change: c.542G>A on transcript NM_001113407.3 (MANE Select); coding-DNA position 542, G replaced by A.
Protein change: p.Arg181Gln; replaces arginine 181 with glutamine.
Molecular consequence: missense variant.
Genome position (GRCh38, 1-based): chr10:102,110,027, C>T on the plus strand (G>A on the coding strand, the complement: LDB1 is on the minus strand). VCF-style: chr10-102110027-C-T. GRCh37 (hg19) VCF-style: chr10-103869784-C-T.
Other names: c.542G>A, p.Arg181Gln (NM_001321612.2); c.434G>A, p.Arg145Gln (NM_003893.5); short protein forms R145Q, R181Q.
Identifiers: ClinVar variation 4818737 (VCV004818737.1).
Genomic context (GRCh38, chr10:102,110,027, plus strand): 5'-ATGCTGAAGTGCCACGTCTTTATCCGCATCATGTCGTCAAACATGAACTCCAGGTACAAC[C>T]GGCCCTCCACACACACCTGGGGACAGGCTTGTCAGAACCCTGCCCCCTCCCCACATACCA-3'
Protein context (NP_001106878.1, residues 171-191): PMFTQVCVEG[Arg181Gln]LYLEFMFDDM